The following is an entry in ClinVar:

ClinVar aggregate classification (germline): Pathogenic (1 of 4 stars; one submission).

Conditions:
Dilated cardiomyopathy 1O (CMD1O). Also called: CARDIOMYOPATHY, DILATED, WITH VENTRICULAR TACHYCARDIA. Identifiers: Orphanet 154, MedGen C1837839, MONDO:0012062, OMIM 608569.

Submission:

Labcorp Genetics (formerly Invitae), Labcorp
Classification: Pathogenic for Dilated cardiomyopathy 1O. Last evaluated: 2024-10-01. Review status: criteria provided, single submitter. Criteria: Invitae Variant Classification Sherloc (09022015). Collection method: clinical testing. Allele origin: germline.
Comment: This sequence change creates a premature translational stop signal (p.Glu623*) in the ABCC9 gene. It is expected to result in an absent or disrupted protein product. Loss-of-function variants in ABCC9 are known to be pathogenic (PMID: 31575858, 38217872). This variant is not present in population databases (gnomAD no frequency). This variant has not been reported in the literature in individuals affected with ABCC9-related conditions. ClinVar contains an entry for this variant (Variation ID: 1482842). For these reasons, this variant has been classified as Pathogenic.

Literature cited by the submitters: PubMed 31575858; PubMed 38217872.

NM_020297.4(ABCC9):c.1867G>T (p.Glu623Ter)

Gene: ABCC9 (ATP binding cassette subfamily C member 9; minus strand). Cytogenetic location: 12p12.1.
Variant type: single nucleotide variant.
Coding change: c.1867G>T on transcript NM_020297.4 (MANE Select); coding-DNA position 1867, G replaced by T.
Protein change: p.Glu623Ter; replaces glutamic acid 623 with a stop codon.
Molecular consequence: nonsense.
Genome position (GRCh38, 1-based): chr12:21,887,870, C>A on the plus strand (G>T on the coding strand, the complement: ABCC9 is on the minus strand). VCF-style: chr12-21887870-C-A. GRCh37 (hg19) VCF-style: chr12-22040804-C-A.
Other names: c.1867G>T, p.Glu623Ter (NM_001377273.1, NM_005691.4); c.1003G>T, p.Glu335Ter (NM_001377274.1); short protein forms E335*, E623*.
Identifiers: ClinVar variation 1482842 (VCV001482842.6), dbSNP rs2137691313, ClinGen allele CA384135848.